The following is an entry in ClinVar:

ClinVar aggregate classification (germline): Likely benign. Review status: criteria provided, multiple submitters, no conflicts (2 of 4 stars). 3 submissions from 3 submitters: Likely benign (2). 1 of the submissions does not count toward it. Last evaluated 2026-02-03.

Conditions:
C6-related disorder. Also called: C6-related condition.

Allele frequency attached by ClinVar (database versions not stated): gnomAD 0.00004 and 0.00005; ExAC 0.00010; 1000 Genomes Project 30x 0.00016; 1000 Genomes Project 0.00020.
gnomAD v4.1: 105 of 1,613,370 alleles (0.0065%); highest among the groups gnomAD compares: Non-Finnish European, 0.0084%; no homozygotes.

Submissions (3):

Labcorp Genetics (formerly Invitae), Labcorp
Classification: Likely benign. Last evaluated: 2026-02-03. Review status: criteria provided, single submitter. Criteria: Invitae Variant Classification Sherloc (09022015). Collection method: clinical testing. Allele origin: germline.

Blueprint Genetics
Classification: Likely benign. Last evaluated: 2024-05-29. Review status: criteria provided, single submitter. Criteria: ACMG Guidelines, 2015. Collection method: clinical testing. Allele origin: germline.

PreventionGenetics, part of Exact Sciences
Classification: Likely benign for C6-related condition. Last evaluated: 2019-07-23. Review status: no assertion criteria provided. Collection method: clinical testing. Allele origin: germline. Not counted in ClinVar's aggregate classification.
Comment: This variant is classified as likely benign based on ACMG/AMP sequence variant interpretation guidelines (Richards et al. 2015 PMID: 25741868, with internal and published modifications).

NM_000065.5(C6):c.1176C>T (p.Thr392=)

Gene: C6 (complement C6; minus strand). Cytogenetic location: 5p13.1.
Variant type: single nucleotide variant.
Coding change: c.1176C>T on transcript NM_000065.5 (MANE Select); coding-DNA position 1176, C replaced by T.
Protein change: p.Thr392=; no amino-acid change (threonine 392 retained).
Molecular consequence: synonymous variant.
Genome position (GRCh38, 1-based): chr5:41,172,340, G>A on the plus strand (C>T on the coding strand, the complement: C6 is on the minus strand). VCF-style: chr5-41172340-G-A. GRCh37 (hg19) VCF-style: chr5-41172442-G-A.
Other names: c.1176C>T (NM_000065.3); c.1176C>T, p.Thr392= (NM_001115131.4).
Identifiers: ClinVar variation 1643335 (VCV001643335.11), dbSNP rs199976299, ClinGen allele CA3252536.